The following is an entry in ClinVar:

ClinVar aggregate classification (germline): Benign/Likely benign. Review status: criteria provided, multiple submitters, no conflicts (2 of 4 stars). 8 submissions from 8 submitters: Benign (1); Likely benign (7). Last evaluated 2025-10-18.

Conditions:
Hereditary cancer-predisposing syndrome. Also called: Hereditary neoplastic syndrome; Tumor predisposition; Neoplastic Syndromes, Hereditary; Hereditary Cancer Syndrome. Identifiers: Orphanet 140162, MedGen C0027672, MeSH D009386, MONDO:0015356.
Juvenile polyposis syndrome (JPS). Identifiers: Orphanet 2929, MedGen C0345893, MONDO:0017380, OMIM 174900.
Familial thoracic aortic aneurysm and aortic dissection (TAAD). Also called: Thoracic aortic aneurysms and dissections. Identifiers: Orphanet 91387, MedGen C4707243, MONDO:0019625.
Juvenile polyposis/hereditary hemorrhagic telangiectasia syndrome (JPHT). Also called: Juvenile Polyposis Syndrome / Hereditary Hemorrhagic Telangiectasia (JPS/HHT); JP/HHT SYNDROME; JUVENILE POLYPOSIS WITH HEREDITARY HEMORRHAGIC TELANGIECTASIA; POLYPOSIS, GENERALIZED JUVENILE, WITH PULMONARY ARTERIOVENOUS MALFORMATION; TELANGIECTASIA, HEREDITARY HEMORRHAGIC, WITH JUVENILE POLYPOSIS COLI. Identifiers: Orphanet 2929, MedGen C1832942, MONDO:0008278, OMIM 175050.

Allele frequency attached by ClinVar (database versions not stated): TOPMed below 0.00001; ExAC 0.00001; gnomAD 0.00001; gnomAD exomes 0.00001.
gnomAD v4.1: 16 of 1,611,542 alleles (0.00099%); highest among the groups gnomAD compares: East Asian, 0.0067%; no homozygotes.

Submissions (8):

Labcorp Genetics (formerly Invitae), Labcorp
Classification: Likely benign for Juvenile polyposis syndrome. Last evaluated: 2025-10-18. Review status: criteria provided, single submitter. Criteria: Invitae Variant Classification Sherloc (09022015). Collection method: clinical testing. Allele origin: germline.

Myriad Genetics, Inc.
Classification: Benign for Juvenile polyposis/hereditary hemorrhagic telangiectasia syndrome. Last evaluated: 2025-03-20. Review status: criteria provided, single submitter. Criteria: Myriad Autosomal Dominant, Autosomal Recessive and X-Linked Classification Criteria (2023). Collection method: clinical testing. Allele origin: unknown.
Comment: This variant is considered benign. This variant is a silent/synonymous amino acid change and it is not expected to impact splicing.

Women's Health and Genetics/Laboratory Corporation of America, LabCorp
Classification: Likely benign. Last evaluated: 2024-12-06. Review status: criteria provided, single submitter. Criteria: LabCorp Variant Classification Summary - May 2015. Collection method: clinical testing. Allele origin: germline.

All of Us Research Program, National Institutes of Health
Classification: Likely benign for Juvenile polyposis/hereditary hemorrhagic telangiectasia syndrome. Last evaluated: 2024-01-11. Review status: criteria provided, single submitter. Criteria: ACMG Guidelines, 2015. Collection method: clinical testing. Allele origin: germline. Inheritance: Autosomal dominant inheritance. Observed: 3 variant alleles, 3 heterozygotes.
Comment: This study involves interpretation of variants in research participants for the purpose of population health screening. Participant phenotype was not available at the time of variant classification. Additional details can be found in publication PMID: 35346344, PMCID: PMC8962531

Genetic Services Laboratory, University of Chicago
Classification: Likely benign. Last evaluated: 2020-10-15. Review status: criteria provided, single submitter. Criteria: ACMG Guidelines, 2015. Collection method: clinical testing. Allele origin: germline. Affected: no.

Quest Diagnostics Nichols Institute San Juan Capistrano
Classification: Likely benign. Last evaluated: 2017-10-13. Review status: criteria provided, single submitter. Criteria: Quest Diagnostics criteria. Collection method: clinical testing. Allele origin: germline.

Color Diagnostics, LLC DBA Color Health
Classification: Likely benign for Hereditary cancer-predisposing syndrome. Last evaluated: 2017-02-21. Review status: criteria provided, single submitter. Criteria: ACMG Guidelines, 2015. Collection method: clinical testing. Allele origin: germline.

Ambry Genetics
Classification: Likely benign for Hereditary cancer-predisposing syndrome; Familial thoracic aortic aneurysm and aortic dissection. Last evaluated: 2016-02-23. Review status: criteria provided, single submitter. Criteria: Ambry Variant Classification Scheme 2023. Collection method: clinical testing. Allele origin: germline.

NM_005359.6(SMAD4):c.894C>T (p.Pro298=)

Gene: SMAD4 (SMAD family member 4; plus strand). Cytogenetic location: 18q21.2.
Variant type: single nucleotide variant.
Coding change: c.894C>T on transcript NM_005359.6 (MANE Select); coding-DNA position 894, C replaced by T.
Protein change: p.Pro298=; no amino-acid change (proline 298 retained).
Molecular consequence: synonymous variant.
Genome position (GRCh38, 1-based): chr18:51,058,446, C>T. VCF-style: chr18-51058446-C-T. GRCh37 (hg19) VCF-style: chr18-48584816-C-T.
Identifiers: ClinVar variation 484794 (VCV000484794.24), dbSNP rs781519690, ClinGen allele CA8965918.
Genomic context (GRCh38, chr18:51,058,446, plus strand): 5'-TAATTTGCCTCACCACCAAAACGGCCATCTTCAGCACCACCCGCCTATGCCGCCCCATCC[C>T]GGACATTACTGTAAGCTCTTGTTTTTGTTGTAAGGGCTATTTTTTTTTTTTTTTTGGTAG-3'
Protein context (NP_005350.1, residues 288-308): LQHHPPMPPH[Pro298=]GHYWPVHNEL